The following is an entry in ClinVar:

NM_003738.5(PTCH2):c.3128C>T (p.Thr1043Ile)

Gene: PTCH2 (patched 2; minus strand). Cytogenetic location: 1p34.1.
Variant type: single nucleotide variant.
Coding change: c.3128C>T on transcript NM_003738.5 (MANE Select); coding-DNA position 3128, C replaced by T.
Protein change: p.Thr1043Ile; replaces threonine 1043 with isoleucine.
Molecular consequence: missense variant.
Genome position (GRCh38, 1-based): chr1:44,823,372, G>A on the plus strand (C>T on the coding strand, the complement: PTCH2 is on the minus strand). VCF-style: chr1-44823372-G-A. GRCh37 (hg19) VCF-style: chr1-45289044-G-A.
Other names: c.3128C>T, p.Thr1043Ile (NM_001166292.2); short protein forms T1043I.
Identifiers: ClinVar variation 1948936 (VCV001948936.5), dbSNP rs1653000364, ClinGen allele CA340107240.

ClinVar aggregate classification (germline): Uncertain significance (1 of 4 stars; one submission).

Conditions:
Gorlin syndrome. Also called: Nevoid Basal Cell Carcinoma Syndrome; Basal cell nevus syndrome. Identifiers: Orphanet 377, MedGen C0004779, MONDO:0007187.

Allele frequency attached by ClinVar (database versions not stated): gnomAD exomes below 0.00001; TOPMed 0.00001.
gnomAD v4.1: 1 of 1,614,222 alleles (0.000062%); highest among the groups gnomAD compares: South Asian, 0.0011%; no homozygotes.

Submission:

Labcorp Genetics (formerly Invitae), Labcorp
Classification: Uncertain significance for Gorlin syndrome. Last evaluated: 2024-01-02. Review status: criteria provided, single submitter. Criteria: Invitae Variant Classification Sherloc (09022015). Collection method: clinical testing. Allele origin: germline.
Comment: This sequence change replaces threonine, which is neutral and polar, with isoleucine, which is neutral and non-polar, at codon 1043 of the PTCH2 protein (p.Thr1043Ile). This variant is not present in population databases (gnomAD no frequency). This variant has not been reported in the literature in individuals affected with PTCH2-related conditions. ClinVar contains an entry for this variant (Variation ID: 1948936). Advanced modeling of protein sequence and biophysical properties (such as structural, functional, and spatial information, amino acid conservation, physicochemical variation, residue mobility, and thermodynamic stability) performed at Invitae indicates that this missense variant is not expected to disrupt PTCH2 protein function with a negative predictive value of 80%. In summary, the available evidence is currently insufficient to determine the role of this variant in disease. Therefore, it has been classified as a Variant of Uncertain Significance.